The following is an entry in ClinVar:

NM_001267550.2(TTN):c.63333T>G (p.Ser21111=)

Genes: TTN-AS1 (TTN antisense RNA 1; plus strand), TTN (titin; minus strand). Cytogenetic location: 2q31.2.
Variant type: single nucleotide variant.
Coding change: c.63333T>G on transcript NM_001267550.2 (MANE Select); coding-DNA position 63333, T replaced by G.
Protein change: p.Ser21111=; no amino-acid change (serine 21111 retained).
Molecular consequence: synonymous variant.
Genome position (GRCh38, 1-based): chr2:178,588,074, A>C on the plus strand (T>G on the coding strand, the complement: TTN is on the minus strand). VCF-style: chr2-178588074-A-C. GRCh37 (hg19) VCF-style: chr2-179452801-A-C.
Other names: c.58410T>G, p.Ser19470= (NM_001256850.1); c.36138T>G, p.Ser12046= (NM_003319.4); c.55629T>G, p.Ser18543= (NM_133378.4); c.36513T>G, p.Ser12171= (NM_133432.3); c.36714T>G, p.Ser12238= (NM_133437.4).
Identifiers: ClinVar variation 1205771 (VCV001205771.16), dbSNP rs780374544, ClinGen allele CA1992102.
Genomic context (GRCh38, chr2:178,588,074, plus strand): 5'-AGTGAATTCCTTGCGTACAAGCTGTGCTGCAGCATTACACCGTTTCCAGCCTTCATCAGG[A>C]GACGCATCTGCTATTTTTGGTCTCATTTCCACAACATATCCAATGATCGGTGCACCACCA-3'
Protein context (NP_001254479.2, residues 21101-21121): VEMRPKIADA[Ser21111=]PDEGWKRCNA

ClinVar aggregate classification (germline): Likely benign. Review status: criteria provided, multiple submitters, no conflicts (2 of 4 stars). 5 submissions from 5 submitters: Likely benign (5). Last evaluated 2025-12-23.

Conditions:
Dilated cardiomyopathy 1G (CMD1G). Identifiers: Orphanet 154, MedGen C1858763, MONDO:0011400, OMIM 604145.
Autosomal recessive limb-girdle muscular dystrophy type 2J (LGMDR10). Also called: Limb-girdle muscular dystrophy, type 2J; MUSCULAR DYSTROPHY, LIMB-GIRDLE, AUTOSOMAL RECESSIVE 10. Identifiers: Orphanet 140922, MedGen C1837342, MONDO:0012127, OMIM 608807.
Cardiovascular phenotype. Identifiers: MedGen CN230736.
Cardiomyopathy (CMYO). Also called: Cardiomyopathies. Identifiers: Orphanet 167848, MedGen C0878544, MONDO:0004994, HP:0001638. Inheritance: Various modes of inheritance.

Allele frequency attached by ClinVar (database versions not stated): gnomAD exomes below 0.00001 and 0.00002; ExAC 0.00001; gnomAD 0.00008 and 0.00009; TOPMed 0.00011.
gnomAD v4.1: 21 of 1,612,864 alleles (0.0013%); highest among the groups gnomAD compares: African/African-American, 0.024%; no homozygotes.

Submissions (5):

Labcorp Genetics (formerly Invitae), Labcorp
Classification: Likely benign for Dilated cardiomyopathy 1G; Autosomal recessive limb-girdle muscular dystrophy type 2J. Last evaluated: 2025-12-23. Review status: criteria provided, single submitter. Criteria: Invitae Variant Classification Sherloc (09022015). Collection method: clinical testing. Allele origin: germline.

Women's Health and Genetics/Laboratory Corporation of America, LabCorp
Classification: Likely benign. Last evaluated: 2023-10-16. Review status: criteria provided, single submitter. Criteria: LabCorp Variant Classification Summary - May 2015. Collection method: clinical testing. Allele origin: germline.
Comment: Variant summary: TTN c.55629T>G alters a non-conserved nucleotide resulting in a synonymous change. Consensus agreement among computation tools predict no significant impact on normal splicing. However, these predictions have yet to be confirmed by functional studies. The variant allele was found at a frequency of 1.6e-05 in 247998 control chromosomes (gnomAD). The available data on variant occurrences in the general population are insufficient to allow any conclusion about variant significance. To our knowledge, no occurrence of c.55629T>G in individuals affected with Limb-Girdle Muscular Dystrophy, Type 2J and no experimental evidence demonstrating its impact on protein function have been reported. Four submitters have cited clinical-significance assessments for this variant to ClinVar after 2014. All submitters classified the variant as likely benign. Based on the evidence outlined above, the variant was classified as likely benign.

Ambry Genetics
Classification: Likely benign for Cardiovascular phenotype. Last evaluated: 2021-04-14. Review status: criteria provided, single submitter. Criteria: Ambry Variant Classification Scheme 2023. Collection method: clinical testing. Allele origin: germline.

CHEO Genetics Diagnostic Laboratory, Children's Hospital of Eastern Ontario
Classification: Likely benign for Cardiomyopathy. Last evaluated: 2020-12-22. Review status: criteria provided, single submitter. Criteria: ACMG Guidelines, 2015. Collection method: clinical testing. Allele origin: germline.

GeneDx
Classification: Likely benign. Last evaluated: 2020-05-27. Review status: criteria provided, single submitter. Criteria: GeneDx Variant Classification Process June 2021. Collection method: clinical testing. Allele origin: germline. Affected: yes.